The following is an entry in ClinVar:

ClinVar aggregate classification (germline): Pathogenic (1 of 4 stars; one submission).

Submission:

Labcorp Genetics (formerly Invitae), Labcorp
Classification: Pathogenic. Last evaluated: 2026-01-04. Review status: criteria provided, single submitter. Criteria: Invitae Variant Classification Sherloc (09022015). Collection method: clinical testing. Allele origin: germline.
Comment: This sequence change creates a premature translational stop signal (p.Glu32Argfs*13) in the WISP3 gene. It is expected to result in an absent or disrupted protein product. Loss-of-function variants in WISP3 are known to be pathogenic (PMID: 22791401). This variant is not present in population databases (gnomAD no frequency). This variant has not been reported in the literature in individuals affected with WISP3-related conditions. For these reasons, this variant has been classified as Pathogenic.

Literature cited by the submitters: PubMed 22791401.

NM_198239.2(CCN6):c.94_95del (p.Glu32fs)

Gene: CCN6 (cellular communication network factor 6; plus strand). Cytogenetic location: 6q21.
Variant type: Deletion.
Coding change: c.94_95del on transcript NM_198239.2 (MANE Select); coding-DNA positions 94 to 95, 2 bases deleted (GA; older notation c.94_95delGA).
Protein change: p.Glu32fs; shifts the reading frame from glutamic acid 32.
Molecular consequence: frameshift variant. On other transcripts: non-coding transcript variant (2).
Genome position (GRCh38, 1-based): chr6:112,061,036-112,061,037, GA deleted. VCF-style (leftmost placement, unchanged base first): chr6-112061035-TGA-T. GRCh37 (hg19) VCF-style: chr6-112382238-TGA-T.
Other names: c.94_95del, p.Glu32fs (NM_003880.4); short protein forms E32fs.
Identifiers: ClinVar variation 4734686 (VCV004734686.1).